The following is an entry in ClinVar:

ClinVar aggregate classification (germline): Conflicting classifications of pathogenicity. Review status: criteria provided, conflicting classifications (1 of 4 stars). 3 submissions from 3 submitters: Likely pathogenic (1); Uncertain significance (2). Last evaluated 2025-07-22.

Conditions:
Familial thoracic aortic aneurysm and aortic dissection (TAAD). Also called: Thoracic aortic aneurysms and dissections. Identifiers: Orphanet 91387, MedGen C4707243, MONDO:0019625.
Marfan syndrome (MFS). Also called: Marfan syndrome type 1; Marfan syndrome, classic; Marfan's syndrome; FBN1-Related Marfan Syndrome; MARFAN SYNDROME, TYPE I. Identifiers: Orphanet 284963, Orphanet 558, MedGen C0024796, MONDO:0007947, OMIM 154700.

Submissions (3):

Women's Health and Genetics/Laboratory Corporation of America, LabCorp
Classification: Uncertain significance. Last evaluated: 2025-07-22. Review status: criteria provided, single submitter. Criteria: LabCorp Variant Classification Summary - May 2015. Collection method: clinical testing. Allele origin: germline.
Comment: Variant summary: FBN1 c.6505G>C (p.Glu2169Gln) results in a conservative amino acid change in the encoded protein sequence. Algorithms developed to predict the effect of missense changes on protein structure and function are either unavailable or do not agree on the potential impact of this missense change. The variant was absent in 251122 control chromosomes. The available data on variant occurrences in the general population are insufficient to allow any conclusion about variant significance. To our knowledge, no occurrence of c.6505G>C in individuals affected with Aortopathy and no experimental evidence demonstrating its impact on protein function have been reported. ClinVar contains an entry for this variant (Variation ID: 519735). Based on the evidence outlined above, the variant was classified as uncertain significance.

Labcorp Genetics (formerly Invitae), Labcorp
Classification: Likely pathogenic for Marfan syndrome; Familial thoracic aortic aneurysm and aortic dissection. Last evaluated: 2025-04-08. Review status: criteria provided, single submitter. Criteria: Invitae Variant Classification Sherloc (09022015). Collection method: clinical testing. Allele origin: germline.
Comment: This sequence change replaces glutamic acid, which is acidic and polar, with glutamine, which is neutral and polar, at codon 2169 of the FBN1 protein (p.Glu2169Gln). This variant is not present in population databases (gnomAD no frequency). This missense change has been observed in individual(s) with FBN1-related conditions (internal data). ClinVar contains an entry for this variant (Variation ID: 519735). Invitae Evidence Modeling of protein sequence and biophysical properties (such as structural, functional, and spatial information, amino acid conservation, physicochemical variation, residue mobility, and thermodynamic stability) indicates that this missense variant is expected to disrupt FBN1 protein function with a positive predictive value of 95%. This variant disrupts the p.Glu2169 amino acid residue in FBN1. Other variant(s) that disrupt this residue have been determined to be pathogenic (PMID: 17418587; internal data). This suggests that this residue is clinically significant, and that variants that disrupt this residue are likely to be disease-causing. In summary, the currently available evidence indicates that the variant is pathogenic, but additional data are needed to prove that conclusively. Therefore, this variant has been classified as Likely Pathogenic.

Ambry Genetics
Classification: Uncertain significance for Familial thoracic aortic aneurysm and aortic dissection. Last evaluated: 2016-08-25. Review status: criteria provided, single submitter. Criteria: Ambry Variant Classification Scheme 2023. Collection method: clinical testing. Allele origin: germline.
Comment: The p.E2169Q variant (also known as c.6505G>C), located in coding exon 53 of the FBN1 gene, results from a G to C substitution at nucleotide position 6505. The glutamic acid at codon 2169 is replaced by glutamine, an amino acid with highly similar properties, and is located in the cb EGF-like #33 domain. This variant was not reported in population based cohorts in the following databases: Database of Single Nucleotide Polymorphisms (dbSNP), NHLBI Exome Sequencing Project (ESP), and 1000 Genomes Project. In the ESP, this variant was not observed in 6494 samples (12988 alleles) with coverage at this position. This amino acid position is highly conserved in available vertebrate species. In addition, this alteration is predicted to be deleterious by in silico analysis. Since supporting evidence is limited at this time, the clinical significance of this alteration remains unclear.

Literature cited by the submitters: PubMed 17418587 (cited by Labcorp Genetics (formerly Invitae), Labcorp).

NM_000138.5(FBN1):c.6505G>C (p.Glu2169Gln)

Gene: FBN1 (fibrillin 1; minus strand). Cytogenetic location: 15q21.1.
Variant type: single nucleotide variant.
Coding change: c.6505G>C on transcript NM_000138.5 (MANE Select); coding-DNA position 6505, G replaced by C.
Protein change: p.Glu2169Gln; replaces glutamic acid 2169 with glutamine.
Molecular consequence: missense variant.
Genome position (GRCh38, 1-based): chr15:48,434,705, C>G on the plus strand (G>C on the coding strand, the complement: FBN1 is on the minus strand). VCF-style: chr15-48434705-C-G. GRCh37 (hg19) VCF-style: chr15-48726902-C-G.
Other names: short protein forms E2169Q.
Identifiers: ClinVar variation 519735 (VCV000519735.7), dbSNP rs1013747861, ClinGen allele CA392335304.
Genomic context (GRCh38, chr15:48,434,705, plus strand): 5'-CAAAACCTCCAATCACATTCTTGCAGGTTCCATTTCCACAAGGATTGCCAACAGAACATT[C>G]ATCAGTATCTGCAAGAAACCAGGAATGTGTCCAAAACATGATGAATTGAGATAATACCTT-3'
Protein context (NP_000129.3, residues 2159-2179): LAGNECVDTD[Glu2169Gln]CSVGNPCGNG